The following is an entry in ClinVar:

NM_015386.3(COG4):c.763C>T (p.Leu255=)

Gene: COG4 (component of oligomeric golgi complex 4; minus strand). Cytogenetic location: 16q22.1.
Variant type: single nucleotide variant.
Coding change: c.763C>T on transcript NM_015386.3 (MANE Select); coding-DNA position 763, C replaced by T.
Protein change: p.Leu255=; no amino-acid change (leucine 255 retained).
Molecular consequence: synonymous variant. On other transcripts: non-coding transcript variant (1).
Genome position (GRCh38, 1-based): chr16:70,509,997, G>A on the plus strand (C>T on the coding strand, the complement: COG4 is on the minus strand). VCF-style: chr16-70509997-G-A. GRCh37 (hg19) VCF-style: chr16-70543900-G-A.
Other names: c.751C>T, p.Leu251= (NM_001195139.2); c.337C>T, p.Leu113= (NM_001365426.1).
Identifiers: ClinVar variation 516769 (VCV000516769.1), dbSNP rs1428606023, ClinGen allele CA496224678.

ClinVar aggregate classification (germline): Likely benign (1 of 4 stars; one submission).

Allele frequency attached by ClinVar (database versions not stated): gnomAD 0.00001; gnomAD exomes 0.00001 and 0.00003; TOPMed 0.00002.
gnomAD v4.1: 40 of 1,613,862 alleles (0.0025%); highest among the groups gnomAD compares: Non-Finnish European, 0.0031%; no homozygotes.

Submission:

GeneDx
Classification: Likely benign. Last evaluated: 2017-04-28. Review status: criteria provided, single submitter. Criteria: GeneDx Variant Classification (06012015). Collection method: clinical testing. Allele origin: germline. Affected: yes.
Comment: This variant is considered likely benign or benign based on one or more of the following criteria: it is a conservative change, it occurs at a poorly conserved position in the protein, it is predicted to be benign by multiple in silico algorithms, and/or has population frequency not consistent with disease.